The following is an entry in ClinVar:

ClinVar aggregate classification (germline): Uncertain significance (1 of 4 stars; one submission).

Submission:

Labcorp Genetics (formerly Invitae), Labcorp
Classification: Uncertain significance. Last evaluated: 2022-05-12. Review status: criteria provided, single submitter. Criteria: Invitae Variant Classification Sherloc (09022015). Collection method: clinical testing. Allele origin: germline.
Comment: This sequence change replaces aspartic acid, which is acidic and polar, with glycine, which is neutral and non-polar, at codon 218 of the NSMCE3 protein (p.Asp218Gly). This variant is not present in population databases (gnomAD no frequency). This variant has not been reported in the literature in individuals affected with NSMCE3-related conditions. Algorithms developed to predict the effect of missense changes on protein structure and function are either unavailable or do not agree on the potential impact of this missense change (SIFT: "Deleterious"; PolyPhen-2: "Possibly Damaging"; Align-GVGD: "Class C0"). In summary, the available evidence is currently insufficient to determine the role of this variant in disease. Therefore, it has been classified as a Variant of Uncertain Significance.

NM_138704.4(NSMCE3):c.653A>G (p.Asp218Gly)

Genes: ENTREP2 (endosomal transmembrane epsin interactor 2; minus strand), NSMCE3 (NSE3 component of SMC5/6 complex; minus strand). Cytogenetic location: 15q13.1.
Variant type: single nucleotide variant.
Coding change: c.653A>G on transcript NM_138704.4 (MANE Select); coding-DNA position 653, A replaced by G.
Protein change: p.Asp218Gly; replaces aspartic acid 218 with glycine.
Molecular consequence: missense variant. On other transcripts: intron variant (5).
Genome position (GRCh38, 1-based): chr15:29,269,053, T>C on the plus strand (A>G on the coding strand, the complement: NSMCE3 is on the minus strand). VCF-style: chr15-29269053-T-C. GRCh37 (hg19) VCF-style: chr15-29561257-T-C.
Other names: c.-12-16575A>G (NM_001387217.1, NM_001387215.1, NM_001387216.1); c.277-16575A>G (NM_001387214.1, NM_015307.2); short protein forms D218G.
Identifiers: ClinVar variation 1908490 (VCV001908490.5), dbSNP rs2153042217, ClinGen allele CA391483788.